The following is an entry in ClinVar:

NC_000012.11:g.(6145658_6153456)_(6153618_6155888)del

Gene: VWF (von Willebrand factor; minus strand). Cytogenetic location: 12p13.31.
Variant type: Deletion.
Identifiers: ClinVar variation 4847069 (VCV004847069.1).

ClinVar aggregate classification (germline): Pathogenic (1 of 4 stars; one submission).

Conditions:
von Willebrand disorder (VWD). Also called: von Willebrand Diseases; von Willebrand's disease; Von Willebrand disease (hereditary or acquired). Identifiers: MedGen C0042974, MeSH D014842, MONDO:0024574.

Submission:

Women's Health and Genetics/Laboratory Corporation of America, LabCorp
Classification: Pathogenic for von Willebrand disorder. Last evaluated: 2026-03-19. Review status: criteria provided, single submitter. Criteria: LabCorp Variant Classification Summary - May 2015. Collection method: clinical testing. Allele origin: germline.
Comment: Variant summary: The variant involves the deletion of exon 18 in the VWF gene. A presumed nomenclature of c.(2281+1_2282-1)_(2442+1_2443-1)del has been designated for the purposes of this classification. This Copy Number Variant (CNV) is expected to alter the reading frame and predicted to result in a truncation or absence of the encoded protein due to nonsense mediated decay (NMD). Loss-of-function variants in this gene are known to be pathogenic. The variant allele was found at a frequency of 8.3e-06 in 120780 control chromosomes in the gnomAD database (Structural Variants v4.1 dataset). The deletion of exon 18 of the VWF gene has been observed in individuals affected with Von Willebrand Disease (e.g. Christopherson_2022). These data indicate that the variant may be associated with disease. To our knowledge, no experimental evidence demonstrating an impact on protein function has been reported. The following publication have been ascertained in the context of this evaluation (PMID: 35343054). No submitters have cited clinical-significance assessments for this variant to ClinVar. Based on the evidence outlined above, the variant was classified as pathogenic.

Literature cited by the submitters: PubMed 35343054.